The following is an entry in ClinVar:

ClinVar aggregate classification (germline): Uncertain significance. Review status: criteria provided, single submitter (1 of 4 stars). 2 submissions from 2 submitters: Uncertain significance (1). 1 of the submissions does not count toward it. Last evaluated 2025-07-14.

Conditions:
Inborn genetic diseases. Identifiers: MedGen C0950123, MeSH D030342.
CEP290-related disorder. Also called: CEP290-related disorders; CEP290-related condition. Identifiers: MedGen CN239314.

Allele frequency attached by ClinVar (database versions not stated): gnomAD 0.00001; TOPMed 0.00001; gnomAD exomes 0.00003.
gnomAD v4.1: 28 of 1,609,840 alleles (0.0017%); highest among the groups gnomAD compares: Non-Finnish European, 0.0023%; no homozygotes.

Submissions (2):

Ambry Genetics
Classification: Uncertain significance for Inborn genetic diseases. Last evaluated: 2025-07-14. Review status: criteria provided, single submitter. Criteria: Ambry Variant Classification Scheme 2023. Collection method: clinical testing. Allele origin: germline.

PreventionGenetics, part of Exact Sciences
Classification: Uncertain significance for CEP290-related condition. Last evaluated: 2024-01-04. Review status: no assertion criteria provided. Collection method: clinical testing. Allele origin: germline. Not counted in ClinVar's aggregate classification.
Comment: The CEP290 c.7348G>C variant is predicted to result in the amino acid substitution p.Glu2450Gln. To our knowledge, this variant has not been reported in the literature or in a large population database, indicating this variant is rare. At this time, the clinical significance of this variant is uncertain due to the absence of conclusive functional and genetic evidence.

NM_025114.4(CEP290):c.7348G>C (p.Glu2450Gln)

Genes: CEP290 (centrosomal protein 290; minus strand), RLIG1 (RNA 5'-phosphate and 3'-OH ligase 1; plus strand). Cytogenetic location: 12q21.32.
Variant type: single nucleotide variant.
Coding change: c.7348G>C on transcript NM_025114.4 (MANE Select); coding-DNA position 7348, G replaced by C.
Protein change: p.Glu2450Gln; replaces glutamic acid 2450 with glutamine.
Molecular consequence: missense variant. On other transcripts: 3 prime UTR variant (1).
Genome position (GRCh38, 1-based): chr12:88,049,276, C>G on the plus strand (G>C on the coding strand, the complement: CEP290 is on the minus strand). VCF-style: chr12-88049276-C-G. GRCh37 (hg19) VCF-style: chr12-88443053-C-G.
Other names: c.*854C>G (NM_001009894.3); short protein forms E2450Q.
Identifiers: ClinVar variation 2628703 (VCV002628703.4), dbSNP rs1307904857, ClinGen allele CA385972366.